The following is an entry in ClinVar:

NM_000465.4(BARD1):c.292A>G (p.Asn98Asp)

Gene: BARD1 (BRCA1 associated RING domain 1; minus strand). Cytogenetic location: 2q35.
Variant type: single nucleotide variant.
Coding change: c.292A>G on transcript NM_000465.4 (MANE Select); coding-DNA position 292, A replaced by G.
Protein change: p.Asn98Asp; replaces asparagine 98 with aspartic acid.
Molecular consequence: missense variant. On other transcripts: non-coding transcript variant (1), intron variant (2).
Genome position (GRCh38, 1-based): chr2:214,792,369, T>C on the plus strand (A>G on the coding strand, the complement: BARD1 is on the minus strand). VCF-style: chr2-214792369-T-C. GRCh37 (hg19) VCF-style: chr2-215657093-T-C.
Other names: c.235A>G, p.Asn79Asp (NM_001282543.2); c.292A>G, p.Asn98Asp (NM_001282549.2); c.158+17043A>G (NM_001282548.2); c.215+4692A>G (NM_001282545.2); short protein forms N98D, N79D.
Identifiers: ClinVar variation 482765 (VCV000482765.21), dbSNP rs1444375563, ClinGen allele CA350461033.

ClinVar aggregate classification (germline): Uncertain significance. Review status: criteria provided, multiple submitters, no conflicts (2 of 4 stars). 4 submissions from 4 submitters: Uncertain significance (4). Last evaluated 2025-03-05.

Conditions:
Hereditary cancer-predisposing syndrome. Also called: Neoplastic Syndromes, Hereditary; Tumor predisposition; Hereditary Cancer Syndrome; Hereditary neoplastic syndrome. Identifiers: Orphanet 140162, MedGen C0027672, MeSH D009386, MONDO:0015356.
Familial cancer of breast. Also called: BREAST CANCER, FAMILIAL; Hereditary breast cancer; hereditary breast carcinoma. Identifiers: Orphanet 227535, MedGen C0346153, MONDO:0016419, OMIM 114480. Disease mechanism: loss of function.

Allele frequency attached by ClinVar (database versions not stated): gnomAD 0.00001; TOPMed 0.00001.
gnomAD v4.1: 2 of 1,613,328 alleles (0.00012%); highest among the groups gnomAD compares: Non-Finnish European, 0.000085%; no homozygotes.

Submissions (4):

Labcorp Genetics (formerly Invitae), Labcorp
Classification: Uncertain significance for Familial cancer of breast. Last evaluated: 2025-03-05. Review status: criteria provided, single submitter. Criteria: Invitae Variant Classification Sherloc (09022015). Collection method: clinical testing. Allele origin: germline.
Comment: This sequence change replaces asparagine, which is neutral and polar, with aspartic acid, which is acidic and polar, at codon 98 of the BARD1 protein (p.Asn98Asp). This variant is not present in population databases (gnomAD no frequency). This variant has not been reported in the literature in individuals affected with BARD1-related conditions. ClinVar contains an entry for this variant (Variation ID: 482765). An algorithm developed to predict the effect of missense changes on protein structure and function (PolyPhen-2) suggests that this variant is likely to be disruptive. In summary, the available evidence is currently insufficient to determine the role of this variant in disease. Therefore, it has been classified as a Variant of Uncertain Significance.

Color Diagnostics, LLC DBA Color Health
Classification: Uncertain significance for Hereditary cancer-predisposing syndrome. Last evaluated: 2023-12-05. Review status: criteria provided, single submitter. Criteria: ACMG Guidelines, 2015. Collection method: clinical testing. Allele origin: germline.
Comment: This missense variant replaces asparagine with aspartic acid at codon 98 of the BARD1 protein. Computational prediction suggests that this variant may not impact protein structure and function (internally defined REVEL score threshold <= 0.5, PMID: 27666373). To our knowledge, functional studies have not been reported for this variant. This variant has not been reported in individuals affected with BARD1-related disorders in the literature. This variant has not been identified in the general population by the Genome Aggregation Database (gnomAD). The available evidence is insufficient to determine the role of this variant in disease conclusively. Therefore, this variant is classified as a Variant of Uncertain Significance.

Ambry Genetics
Classification: Uncertain significance for Hereditary cancer-predisposing syndrome. Last evaluated: 2023-11-08. Review status: criteria provided, single submitter. Criteria: Ambry Variant Classification Scheme 2023. Collection method: clinical testing. Allele origin: germline.
Comment: The p.N98D variant (also known as c.292A>G), located in coding exon 3 of the BARD1 gene, results from an A to G substitution at nucleotide position 292. The asparagine at codon 98 is replaced by aspartic acid, an amino acid with highly similar properties. This amino acid position is highly conserved in available vertebrate species. In addition, this alteration is predicted to be tolerated by in silico analysis. Since supporting evidence is limited at this time, the clinical significance of this alteration remains unclear.

Baylor Genetics
Classification: Uncertain significance for Familial cancer of breast. Last evaluated: 2023-09-12. Review status: criteria provided, single submitter. Criteria: ACMG Guidelines, 2015. Collection method: clinical testing. Allele origin: unknown.